The following is an entry in ClinVar:

ClinVar aggregate classification (germline): Uncertain significance (1 of 4 stars; one submission).

Conditions:
Hereditary cancer-predisposing syndrome. Also called: Tumor predisposition; Hereditary Cancer Syndrome; Neoplastic Syndromes, Hereditary; Hereditary neoplastic syndrome. Identifiers: Orphanet 140162, MedGen C0027672, MeSH D009386, MONDO:0015356.

Submission:

Ambry Genetics
Classification: Uncertain significance for Hereditary cancer-predisposing syndrome. Last evaluated: 2021-12-10. Review status: criteria provided, single submitter. Criteria: Ambry Variant Classification Scheme 2023. Collection method: clinical testing. Allele origin: germline.
Comment: The p.S877C variant (also known as c.2630C>G), located in coding exon 19 of the KIT gene, results from a C to G substitution at nucleotide position 2630. The serine at codon 877 is replaced by cysteine, an amino acid with dissimilar properties. This amino acid position is conserved. In addition, the in silico prediction for this alteration is inconclusive. Since supporting evidence is limited at this time, the clinical significance of this alteration remains unclear.

NM_000222.3(KIT):c.2630C>G (p.Ser877Cys)

Gene: KIT (KIT proto-oncogene, receptor tyrosine kinase; plus strand). Cytogenetic location: 4q12.
Variant type: single nucleotide variant.
Coding change: c.2630C>G on transcript NM_000222.3 (MANE Select); coding-DNA position 2630, C replaced by G.
Protein change: p.Ser877Cys; replaces serine 877 with cysteine.
Molecular consequence: missense variant.
Genome position (GRCh38, 1-based): chr4:54,736,754, C>G. VCF-style: chr4-54736754-C-G. GRCh37 (hg19) VCF-style: chr4-55602920-C-G.
Other names: c.2618C>G, p.Ser873Cys (NM_001093772.2, NM_001385292.1); c.2633C>G, p.Ser878Cys (NM_001385284.1); c.2627C>G, p.Ser876Cys (NM_001385285.1); c.2615C>G, p.Ser872Cys (NM_001385286.1); c.2621C>G, p.Ser874Cys (NM_001385288.1); c.2630C>G, p.Ser877Cys (NM_001385290.1); short protein forms S874C, S876C, S873C, S877C, S872C, S878C.
Identifiers: ClinVar variation 1794049 (VCV001794049.2), dbSNP rs1722943323, ClinGen allele CA356913788.